The following is an entry in ClinVar:

ClinVar aggregate classification (germline): Likely benign. Review status: criteria provided, multiple submitters, no conflicts (2 of 4 stars). 2 submissions from 2 submitters: Likely benign (2). Last evaluated 2025-12-08.

Conditions:
Cohen syndrome (COH1). Also called: PEPPER SYNDROME; Cutis verticis gyrata, retinitis pigmentosa, and sensorineural deafness. Identifiers: Orphanet 193, MedGen C0265223, MONDO:0008999, OMIM 216550.
VPS13B-related disorder. Also called: VPS13B-related condition.

Allele frequency attached by ClinVar (database versions not stated): gnomAD exomes below 0.00001; gnomAD 0.00001.
gnomAD v4.1: 2 of 1,613,234 alleles (0.00012%); highest among the groups gnomAD compares: East Asian, 0.0022%; no homozygotes.

Submissions (2):

Labcorp Genetics (formerly Invitae), Labcorp
Classification: Likely benign for Cohen syndrome. Last evaluated: 2025-12-08. Review status: criteria provided, single submitter. Criteria: Invitae Variant Classification Sherloc (09022015). Collection method: clinical testing. Allele origin: germline.

PreventionGenetics, part of Exact Sciences
Classification: Likely benign for VPS13B-related condition. Last evaluated: 2025-12-05. Review status: criteria provided, single submitter. Criteria: ACMG Guidelines, 2015. Collection method: clinical testing. Allele origin: germline.
Comment: This variant is classified as likely benign based on ACMG/AMP sequence variant interpretation guidelines (Richards et al. 2015 PMID: 25741868, with internal and published modifications).

NM_152564.5(VPS13B):c.4245T>C (p.Asp1415=)

Gene: VPS13B (vacuolar protein sorting 13 homolog B; plus strand). Cytogenetic location: 8q22.2.
Variant type: single nucleotide variant.
Coding change: c.4245T>C on transcript NM_152564.5 (MANE Select); coding-DNA position 4245, T replaced by C.
Protein change: p.Asp1415=; no amino-acid change (aspartic acid 1415 retained).
Molecular consequence: synonymous variant.
Genome position (GRCh38, 1-based): chr8:99,511,124, T>C. VCF-style: chr8-99511124-T-C. GRCh37 (hg19) VCF-style: chr8-100523352-T-C.
Other names: c.4320T>C, p.Asp1440= (NM_017890.5).
Identifiers: ClinVar variation 2180152 (VCV002180152.5), dbSNP rs1821769882, ClinGen allele CA462439810.